The following is an entry in ClinVar:

ClinVar aggregate classification (germline): Uncertain significance. Review status: criteria provided, multiple submitters, no conflicts (2 of 4 stars). 4 submissions from 4 submitters: Uncertain significance (4). Last evaluated 2025-05-27.

Conditions:
Cardiovascular phenotype. Identifiers: MedGen CN230736.
Lethal congenital glycogen storage disease of heart. Also called: PHOSPHORYLASE KINASE DEFICIENCY OF HEART; GLYCOGEN STORAGE DISEASE OF HEART. Identifiers: Orphanet 439854, MedGen C1849813, MONDO:0009867, OMIM 261740.
Hypertrophic cardiomyopathy. Also called: HYPERTROPHIC MYOCARDIOPATHY. Identifiers: Orphanet 217569, MedGen C0007194, MeSH D002312, MONDO:0005045, HP:0001639.
Cardiomyopathy (CMYO). Also called: Cardiomyopathies. Identifiers: Orphanet 167848, MedGen C0878544, MONDO:0004994, HP:0001638. Inheritance: Various modes of inheritance.

Allele frequency attached by ClinVar (database versions not stated): gnomAD exomes below 0.00001.
gnomAD v4.1: 1 of 1,612,256 alleles (0.000062%); highest among the groups gnomAD compares: South Asian, 0.0011%; no homozygotes.

Submissions (4):

Ambry Genetics
Classification: Uncertain significance for Cardiovascular phenotype. Last evaluated: 2025-05-27. Review status: criteria provided, single submitter. Criteria: Ambry Variant Classification Scheme 2023. Collection method: clinical testing. Allele origin: germline.
Comment: The p.H440R variant (also known as c.1319A>G), located in coding exon 12 of the PRKAG2 gene, results from an A to G substitution at nucleotide position 1319. The histidine at codon 440 is replaced by arginine, an amino acid with highly similar properties. This amino acid position is conserved. In addition, the in silico prediction for this alteration is inconclusive. Based on the available evidence, the clinical significance of this variant remains unclear.

All of Us Research Program, National Institutes of Health
Classification: Uncertain significance for Hypertrophic cardiomyopathy. Last evaluated: 2024-07-29. Review status: criteria provided, single submitter. Criteria: ACMG Guidelines, 2015. Collection method: clinical testing. Allele origin: germline. Inheritance: Autosomal dominant inheritance. Observed: 2 variant alleles, 2 heterozygotes.
Comment: This missense variant replaces histidine with arginine at codon 440 of the PRKAG2 protein. Computational prediction suggests that this variant may not impact protein structure and function (internally defined REVEL score threshold <= 0.5, PMID: 27666373). To our knowledge, functional studies have not been reported for this variant. This variant has not been reported in individuals affected with cardiovascular disorders in the literature. This variant has not been identified in the general population by the Genome Aggregation Database (gnomAD). The available evidence is insufficient to determine the role of this variant in disease conclusively. Therefore, this variant is classified as a Variant of Uncertain Significance.

This study involves interpretation of variants in research participants for the purpose of population health screening. Participant phenotype was not available at the time of variant classification. Additional details can be found in publication PMID: 35346344, PMCID: PMC8962531

Color Diagnostics, LLC DBA Color Health
Classification: Uncertain significance for Cardiomyopathy. Last evaluated: 2024-03-06. Review status: criteria provided, single submitter. Criteria: ACMG Guidelines, 2015. Collection method: clinical testing. Allele origin: germline.
Comment: This missense variant replaces histidine with arginine at codon 440 of the PRKAG2 protein. Computational prediction suggests that this variant may not impact protein structure and function (internally defined REVEL score threshold <= 0.5, PMID: 27666373). To our knowledge, functional studies have not been reported for this variant. This variant has not been reported in individuals affected with cardiovascular disorders in the literature. This variant has not been identified in the general population by the Genome Aggregation Database (gnomAD). The available evidence is insufficient to determine the role of this variant in disease conclusively. Therefore, this variant is classified as a Variant of Uncertain Significance.

Labcorp Genetics (formerly Invitae), Labcorp
Classification: Uncertain significance for Lethal congenital glycogen storage disease of heart. Last evaluated: 2023-10-11. Review status: criteria provided, single submitter. Criteria: Invitae Variant Classification Sherloc (09022015). Collection method: clinical testing. Allele origin: germline.
Comment: This sequence change replaces histidine, which is basic and polar, with arginine, which is basic and polar, at codon 440 of the PRKAG2 protein (p.His440Arg). This variant is not present in population databases (gnomAD no frequency). This variant has not been reported in the literature in individuals affected with PRKAG2-related conditions. ClinVar contains an entry for this variant (Variation ID: 1172005). Advanced modeling of protein sequence and biophysical properties (such as structural, functional, and spatial information, amino acid conservation, physicochemical variation, residue mobility, and thermodynamic stability) performed at Invitae indicates that this missense variant is not expected to disrupt PRKAG2 protein function. In summary, the available evidence is currently insufficient to determine the role of this variant in disease. Therefore, it has been classified as a Variant of Uncertain Significance.

NM_016203.4(PRKAG2):c.1319A>G (p.His440Arg)

Gene: PRKAG2 (protein kinase AMP-activated non-catalytic subunit gamma 2; minus strand). Cytogenetic location: 7q36.1.
Variant type: single nucleotide variant.
Coding change: c.1319A>G on transcript NM_016203.4 (MANE Select); coding-DNA position 1319, A replaced by G.
Protein change: p.His440Arg; replaces histidine 440 with arginine.
Molecular consequence: missense variant.
Genome position (GRCh38, 1-based): chr7:151,565,800, T>C on the plus strand (A>G on the coding strand, the complement: PRKAG2 is on the minus strand). VCF-style: chr7-151565800-T-C. GRCh37 (hg19) VCF-style: chr7-151262886-T-C.
Other names: c.1187A>G, p.His396Arg (NM_001040633.2); c.944A>G, p.His315Arg (NM_001304527.2); c.596A>G, p.His199Arg (NM_001304531.2, NM_024429.2); c.947A>G, p.His316Arg (NM_001363698.2); c.1319A>G (NM_016203.3); short protein forms H199R, H315R, H316R, H396R, H440R.
Identifiers: ClinVar variation 1172005 (VCV001172005.8), dbSNP rs1806111411, ClinGen allele CA370071030.